The following is an entry in ClinVar:

NM_000255.4(MMUT):c.842T>C (p.Leu281Ser)

Gene: MMUT (methylmalonyl-CoA mutase; minus strand). Cytogenetic location: 6p12.3.
Variant type: single nucleotide variant.
Coding change: c.842T>C on transcript NM_000255.4 (MANE Select); coding-DNA position 842, T replaced by C.
Protein change: p.Leu281Ser; replaces leucine 281 with serine.
Molecular consequence: missense variant.
Genome position (GRCh38, 1-based): chr6:49,456,149, A>G on the plus strand (T>C on the coding strand, the complement: MMUT is on the minus strand). VCF-style: chr6-49456149-A-G. GRCh37 (hg19) VCF-style: chr6-49423862-A-G.
Other names: p.L281S:TTA>TCA; short protein forms L281S.
Identifiers: ClinVar variation 203858 (VCV000203858.2), dbSNP rs796052007, ClinGen allele CA312783.
Genomic context (GRCh38, chr6:49,456,149, plus strand): 5'-AATTCATCAATTGTCAGGCCAGCCTGGAGTCCAGTTCTAGAGTACTCCAATCCATCTGCT[A>G]AAGTATAGGCCAGCTCCAGAATGGCATCAGCCCCTGCTTCCTGCATATGGTATCCACTAA-3'
Protein context (NP_000246.2, residues 271-291): ADAILELAYT[Leu281Ser]ADGLEYSRTG

ClinVar aggregate classification (germline): Pathogenic (1 of 4 stars; one submission).

Allele frequency attached by ClinVar (database versions not stated): gnomAD exomes below 0.00001.
gnomAD v4.1: 2 of 1,612,472 alleles (0.00012%); highest among the groups gnomAD compares: Admixed American, 0.0017%; no homozygotes.

Submission:

GeneDx
Classification: Pathogenic. Last evaluated: 2013-08-26. Review status: criteria provided, single submitter. Criteria: GeneDx Variant Classification (06012015). Collection method: clinical testing. Allele origin: germline. Affected: yes.
Comment: The L281S missense mutation has been reported previously in association with MMA (Worgan et al., 2006). The variant is found in MUT panel(s).